The following is an entry in ClinVar:

NM_001256627.2(BRSK2):c.1690G>C (p.Val564Leu)

Gene: BRSK2 (BR serine/threonine kinase 2; plus strand). Cytogenetic location: 11p15.5.
Variant type: single nucleotide variant.
Coding change: c.1690G>C on transcript NM_001256627.2 (MANE Select); coding-DNA position 1690, G replaced by C.
Protein change: p.Val564Leu; replaces valine 564 with leucine.
Molecular consequence: missense variant. On other transcripts: non-coding transcript variant (1).
Genome position (GRCh38, 1-based): chr11:1,456,369, G>C. VCF-style: chr11-1456369-G-C. GRCh37 (hg19) VCF-style: chr11-1477599-G-C.
Other names: c.1690G>C, p.Val564Leu (NM_001256629.2, NM_003957.4); c.1828G>C, p.Val610Leu (NM_001256630.1); c.1510G>C, p.Val504Leu (NM_001282218.2); short protein forms V504L, V564L, V610L.
Identifiers: ClinVar variation 2629963 (VCV002629963.1), dbSNP rs773917255, ClinGen allele CA379079385.

ClinVar aggregate classification (germline): Uncertain significance (1 of 4 stars; one submission).

Conditions:
BRSK2-related disorder. Also called: BRSK2-related condition; BRSK2-Related Disorders.

Submission:

PreventionGenetics, part of Exact Sciences
Classification: Uncertain significance for BRSK2-related condition. Last evaluated: 2022-12-29. Review status: criteria provided, single submitter. Criteria: ACMG Guidelines, 2015. Collection method: clinical testing. Allele origin: germline.
Comment: The BRSK2 c.1690G>C variant is predicted to result in the amino acid substitution p.Val564Leu. To our knowledge, this variant has not been reported in the literature or in a large population database, indicating this variant is rare. At this time, the clinical significance of this variant is uncertain due to the absence of conclusive functional and genetic evidence.